The following is an entry in ClinVar:

ClinVar aggregate classification (germline): Benign/Likely benign. Review status: criteria provided, multiple submitters, no conflicts (2 of 4 stars). 3 submissions from 3 submitters: Benign (1); Likely benign (1). 1 of the submissions does not count toward it. Last evaluated 2025-12-01.

Conditions:
Mendelian susceptibility to mycobacterial diseases due to complete IL12RB1 deficiency. Also called: IL12RB1 DEFICIENCY; Immunodeficiency 30. Identifiers: Orphanet 319552, MedGen C4013949, MONDO:0013955, OMIM 614891.
IL12RB1-related disorder. Also called: IL12RB1-related condition.

Allele frequency attached by ClinVar (database versions not stated): gnomAD below 0.00001 and 0.00020; TOPMed 0.00003; gnomAD exomes 0.00041 and 0.00086; ExAC 0.00114; 1000 Genomes Project 0.00160; 1000 Genomes Project 30x 0.00187.
gnomAD v4.1: 615 of 1,600,968 alleles (0.038%); highest among the groups gnomAD compares: South Asian, 0.64%; 6 homozygotes.

Submissions (3):

Labcorp Genetics (formerly Invitae), Labcorp
Classification: Benign for Mendelian susceptibility to mycobacterial diseases due to complete IL12RB1 deficiency. Last evaluated: 2025-12-01. Review status: criteria provided, single submitter. Criteria: Invitae Variant Classification Sherloc (09022015). Collection method: clinical testing. Allele origin: germline.

Blueprint Genetics
Classification: Likely benign. Last evaluated: 2024-11-26. Review status: criteria provided, single submitter. Criteria: ACMG Guidelines, 2015. Collection method: clinical testing. Allele origin: germline.

PreventionGenetics, part of Exact Sciences
Classification: Likely benign for IL12RB1-related condition. Last evaluated: 2019-02-21. Review status: no assertion criteria provided. Collection method: clinical testing. Allele origin: germline. Not counted in ClinVar's aggregate classification.
Comment: This variant is classified as likely benign based on ACMG/AMP sequence variant interpretation guidelines (Richards et al. 2015 PMID: 25741868, with internal and published modifications).

NM_005535.3(IL12RB1):c.129G>A (p.Ser43=)

Gene: IL12RB1 (interleukin 12 receptor subunit beta 1; minus strand). Cytogenetic location: 19p13.11.
Variant type: single nucleotide variant.
Coding change: c.129G>A on transcript NM_005535.3 (MANE Select); coding-DNA position 129, G replaced by A.
Protein change: p.Ser43=; no amino-acid change (serine 43 retained).
Molecular consequence: synonymous variant.
Genome position (GRCh38, 1-based): chr19:18,082,260, C>T on the plus strand (G>A on the coding strand, the complement: IL12RB1 is on the minus strand). VCF-style: chr19-18082260-C-T. GRCh37 (hg19) VCF-style: chr19-18193070-C-T.
Other names: c.129G>A, p.Ser43= (NM_001290023.2, NM_153701.3); c.249G>A, p.Ser83= (NM_001290024.2).
Identifiers: ClinVar variation 728808 (VCV000728808.14), dbSNP rs527461691, ClinGen allele CA9305328.
Genomic context (GRCh38, chr19:18,082,260, plus strand): 5'-GGAGCACTCGTAACGATCACTGGATATCCGATAGCATCTCAGGTCCCTAGGGCCCGAGGC[C>T]GAGCCTGGAAGAGATCCTGTAGGCTTGGGAACAGACCAGAGTCTGGAGGGGTCTTCGTGC-3'
Protein context (NP_005526.1, residues 33-53): DPPYPDADSG[Ser43=]ASGPRDLRCY